The following is an entry in ClinVar:

NM_001378457.1(DMXL2):c.8885C>T (p.Ala2962Val)

Genes: DMXL2 (Dmx like 2; minus strand), LOC126862131 (MED14-independent group 3 enhancer GRCh37_chr15:51741640-51742839; plus strand). Cytogenetic location: 15q21.2.
Variant type: single nucleotide variant.
Coding change: c.8885C>T on transcript NM_001378457.1 (MANE Select); coding-DNA position 8885, C replaced by T.
Protein change: p.Ala2962Val; replaces alanine 2962 with valine.
Molecular consequence: missense variant. On other transcripts: non-coding transcript variant (2).
Genome position (GRCh38, 1-based): chr15:51,450,211, G>A on the plus strand (C>T on the coding strand, the complement: DMXL2 is on the minus strand). VCF-style: chr15-51450211-G-A. GRCh37 (hg19) VCF-style: chr15-51742408-G-A.
Other names: c.8822C>T, p.Ala2941Val (NM_001174116.3); c.6911C>T, p.Ala2304Val (NM_001174117.3); c.8882C>T, p.Ala2961Val (NM_001378458.1); c.8597C>T, p.Ala2866Val (NM_001378459.1); c.6800C>T, p.Ala2267Val (NM_001378460.1); c.8819C>T, p.Ala2940Val (NM_015263.5); short protein forms A2866V, A2941V, A2961V, A2267V, A2304V, A2940V, A2962V.
Identifiers: ClinVar variation 1383263 (VCV001383263.8), dbSNP rs2039014829, ClinGen allele CA392429457.
Genomic context (GRCh38, chr15:51,450,211, plus strand): 5'-CCTGTGGTAAAATATTCCTCATAGGGATCCAAGGCCAGAGCCTTAATAGCTGAGTCATGG[G>A]CCTGGAACGTGTGAATGAGCTGCCTTTGCCTGATGTCAAAAATGCAGACGTGTCCTTTCC-3'
Protein context (NP_001365386.1, residues 2952-2972): RQRQLIHTFQ[Ala2962Val]HDSAIKALAL

ClinVar aggregate classification (germline): Uncertain significance (1 of 4 stars; one submission).

Submission:

Labcorp Genetics (formerly Invitae), Labcorp
Classification: Uncertain significance. Last evaluated: 2021-03-29. Review status: criteria provided, single submitter. Criteria: Invitae Variant Classification Sherloc (09022015). Collection method: clinical testing. Allele origin: germline.
Comment: This sequence change replaces alanine with valine at codon 2941 of the DMXL2 protein (p.Ala2941Val). The alanine residue is moderately conserved and there is a small physicochemical difference between alanine and valine. In summary, the available evidence is currently insufficient to determine the role of this variant in disease. Therefore, it has been classified as a Variant of Uncertain Significance. Algorithms developed to predict the effect of sequence changes on RNA splicing suggest that this variant may create or strengthen a splice site, but this prediction has not been confirmed by published transcriptional studies. Algorithms developed to predict the effect of missense changes on protein structure and function are either unavailable or do not agree on the potential impact of this missense change (SIFT: "Deleterious"; PolyPhen-2: "Probably Damaging"; Align-GVGD: "Class C0"). This variant has not been reported in the literature in individuals with DMXL2-related conditions. This variant is not present in population databases (ExAC no frequency).